The following is an entry in ClinVar:

NM_014915.3(ANKRD26):c.1728T>C (p.Asp576=)

Gene: ANKRD26 (ankyrin repeat domain 26; minus strand). Cytogenetic location: 10p12.1.
Variant type: single nucleotide variant.
Coding change: c.1728T>C on transcript NM_014915.3 (MANE Select); coding-DNA position 1728, T replaced by C.
Protein change: p.Asp576=; no amino-acid change (aspartic acid 576 retained).
Molecular consequence: synonymous variant.
Genome position (GRCh38, 1-based): chr10:27,048,887, A>G on the plus strand (T>C on the coding strand, the complement: ANKRD26 is on the minus strand). VCF-style: chr10-27048887-A-G. GRCh37 (hg19) VCF-style: chr10-27337816-A-G.
Other names: c.1728T>C, p.Asp576= (NM_001256053.2).
Identifiers: ClinVar variation 1301008 (VCV001301008.11), dbSNP rs200379534, ClinGen allele CA5448424.

ClinVar aggregate classification (germline): Benign/Likely benign. Review status: criteria provided, multiple submitters, no conflicts (2 of 4 stars). 6 submissions from 6 submitters: Benign (1); Likely benign (4). 1 of the submissions does not count toward it. Last evaluated 2025-07-16.

Conditions:
ANKRD26-related disorder. Also called: ANKRD26-related condition.
Inborn genetic diseases. Identifiers: MedGen C0950123, MeSH D030342.

Allele frequency attached by ClinVar (database versions not stated): gnomAD exomes 0.00005 and 0.00009; ExAC 0.00011; 1000 Genomes Project 30x 0.00016; 1000 Genomes Project 0.00020; gnomAD 0.00027 and 0.00031; TOPMed 0.00032; ESP Exome Variant Server 0.00041.

Submissions (6):

Labcorp Genetics (formerly Invitae), Labcorp
Classification: Benign. Last evaluated: 2025-07-16. Review status: criteria provided, single submitter. Criteria: Invitae Variant Classification Sherloc (09022015). Collection method: clinical testing. Allele origin: germline.

Ambry Genetics
Classification: Likely benign for Inborn genetic diseases. Last evaluated: 2024-11-23. Review status: criteria provided, single submitter. Criteria: Ambry Variant Classification Scheme 2023. Collection method: clinical testing. Allele origin: germline.

Blueprint Genetics
Classification: Likely benign. Last evaluated: 2024-08-20. Review status: criteria provided, single submitter. Criteria: ACMG Guidelines, 2015. Collection method: clinical testing. Allele origin: germline.

GeneDx
Classification: Likely benign. Last evaluated: 2021-03-31. Review status: criteria provided, single submitter. Criteria: GeneDx Variant Classification Process June 2021. Collection method: clinical testing. Allele origin: germline. Affected: yes.

Breakthrough Genomics
Classification: Likely benign. Review status: criteria provided, single submitter. Criteria: ACMG Guidelines, 2015. Collection method: not provided. Allele origin: germline. Inheritance: Autosomal dominant inheritance. Affected: yes.

PreventionGenetics, part of Exact Sciences
Classification: Likely benign for ANKRD26-related condition. Last evaluated: 2019-11-22. Review status: no assertion criteria provided. Collection method: clinical testing. Allele origin: germline. Not counted in ClinVar's aggregate classification.
Comment: This variant is classified as likely benign based on ACMG/AMP sequence variant interpretation guidelines (Richards et al. 2015 PMID: 25741868, with internal and published modifications).